The following is an entry in ClinVar:

ClinVar aggregate classification (germline): Conflicting classifications of pathogenicity. Review status: criteria provided, conflicting classifications (1 of 4 stars). 17 submissions from 13 submitters: Uncertain significance (3); Benign (8); Likely benign (3). 3 of the submissions do not count toward it. Last evaluated 2026-03-27.

Conditions:
TTN-related disorder. Also called: TTN-related condition; TTN-related disease; TTN-related disorders.
Cardiovascular phenotype. Identifiers: MedGen CN230736.
Autosomal recessive limb-girdle muscular dystrophy type 2J (LGMDR10). Also called: Limb-girdle muscular dystrophy, type 2J; MUSCULAR DYSTROPHY, LIMB-GIRDLE, AUTOSOMAL RECESSIVE 10. Identifiers: Orphanet 140922, MedGen C1837342, MONDO:0012127, OMIM 608807.
Dilated cardiomyopathy 1G (CMD1G). Identifiers: Orphanet 154, MedGen C1858763, MONDO:0011400, OMIM 604145.
Early-onset myopathy with fatal cardiomyopathy (CMYO5). Also called: Salih Myopathy; CONGENITAL MYOPATHY 5 WITH CARDIOMYOPATHY. Identifiers: Orphanet 289377, MedGen C2673677, MONDO:0012714, OMIM 611705. Disease mechanism: loss of function.
Myopathy, myofibrillar, 9, with early respiratory failure (MFM9). Also called: Hereditary myopathy with early respiratory failure; EDSTROM MYOPATHY; MYOPATHY, PROXIMAL, WITH EARLY RESPIRATORY MUSCLE INVOLVEMENT; Myopathy, distal, with early respiratory failure, autosomal dominant. Identifiers: Orphanet 178464, Orphanet 34521, MedGen C1863599, MONDO:0011362, OMIM 603689.
Tibial muscular dystrophy (TMD). Also called: UDD MYOPATHY; Udd Distal Myopathy – Tibial Muscular Dystrophy; Tibial muscular dystrophy, tardive. Identifiers: Orphanet 609, MedGen C1838244, MONDO:0010870, OMIM 600334.

Allele frequency attached by ClinVar (database versions not stated): gnomAD exomes 0.00026; ExAC 0.00036; gnomAD 0.00091 and 0.00098; TOPMed 0.00096; 1000 Genomes Project 0.00120; ESP Exome Variant Server 0.00132; 1000 Genomes Project 30x 0.00141.
gnomAD v4.1: 292 of 1,613,026 alleles (0.018%); highest among the groups gnomAD compares: African/African-American, 0.35%; 3 homozygotes.

Submissions (17):

Molecular Diagnostic Laboratory for Inherited Cardiovascular Disease, Montreal Heart Institute
Classification: Benign. Last evaluated: 2026-03-27. Review status: criteria provided, single submitter. Criteria: ACMG Guidelines, 2015. Collection method: clinical testing. Allele origin: germline. Affected: no.

Labcorp Genetics (formerly Invitae), Labcorp
Classification: Benign for Dilated cardiomyopathy 1G; Autosomal recessive limb-girdle muscular dystrophy type 2J. Last evaluated: 2026-01-25. Review status: criteria provided, single submitter. Criteria: Invitae Variant Classification Sherloc (09022015). Collection method: clinical testing. Allele origin: germline.

Blueprint Genetics
Classification: Likely benign. Last evaluated: 2024-06-20. Review status: criteria provided, single submitter. Criteria: ACMG Guidelines, 2015. Collection method: clinical testing. Allele origin: germline.

Women's Health and Genetics/Laboratory Corporation of America, LabCorp
Classification: Likely benign. Last evaluated: 2020-08-30. Review status: criteria provided, single submitter. Criteria: LabCorp Variant Classification Summary - May 2015. Collection method: clinical testing. Allele origin: germline.

Ambry Genetics
Classification: Likely benign for Cardiovascular phenotype. Last evaluated: 2018-07-10. Review status: criteria provided, single submitter. Criteria: Ambry Variant Classification Scheme 2023. Collection method: clinical testing. Allele origin: germline.

Athena Diagnostics
Classification: Benign. Last evaluated: 2018-01-26. Review status: criteria provided, single submitter. Criteria: Athena Diagnostics Criteria. Collection method: clinical testing. Allele origin: germline.

Illumina Laboratory Services, Illumina
Classification: Benign for Tibial muscular dystrophy. Last evaluated: 2018-01-13. Review status: criteria provided, single submitter. Criteria: ICSL Variant Classification Criteria 13 December 2019. Collection method: clinical testing. Allele origin: germline.
Comment: This variant was observed in the ICSL laboratory as part of a predisposition screen in an ostensibly healthy population. It had not been previously curated by ICSL or reported in the Human Gene Mutation Database (HGMD: prior to June 1st, 2018), and was therefore a candidate for classification through an automated scoring system. Utilizing variant allele frequency, disease prevalence and penetrance estimates, and inheritance mode, an automated score was calculated to assess if this variant is too frequent to cause the disease. Based on the score and internal cut-off values, a variant classified as benign is not then subjected to further curation. The score for this variant resulted in a classification of benign for this disease.

Illumina Laboratory Services, Illumina
Classification: Uncertain significance for Early-onset myopathy with fatal cardiomyopathy. Last evaluated: 2018-01-13. Review status: criteria provided, single submitter. Criteria: ICSL Variant Classification Criteria 13 December 2019. Collection method: clinical testing. Allele origin: germline.

Illumina Laboratory Services, Illumina
Classification: Uncertain significance for Autosomal recessive limb-girdle muscular dystrophy type 2J. Last evaluated: 2018-01-13. Review status: criteria provided, single submitter. Criteria: ICSL Variant Classification Criteria 13 December 2019. Collection method: clinical testing. Allele origin: germline.

Illumina Laboratory Services, Illumina
Classification: Uncertain significance for Dilated cardiomyopathy 1G. Last evaluated: 2018-01-13. Review status: criteria provided, single submitter. Criteria: ICSL Variant Classification Criteria 13 December 2019. Collection method: clinical testing. Allele origin: germline.

Illumina Laboratory Services, Illumina
Classification: Benign for Myopathy, myofibrillar, 9, with early respiratory failure. Last evaluated: 2018-01-13. Review status: criteria provided, single submitter. Criteria: ICSL Variant Classification Criteria 13 December 2019. Collection method: clinical testing. Allele origin: germline.
Comment: the same text as in the submission from Illumina Laboratory Services, Illumina above.

Eurofins Ntd Llc (ga)
Classification: Benign. Last evaluated: 2017-01-03. Review status: criteria provided, single submitter. Criteria: EGL Classification Definitions 2015. Collection method: clinical testing. Allele origin: germline. Observed: 1 variant allele, 1 heterozygote.

GeneDx
Classification: Benign. Last evaluated: 2015-12-17. Review status: criteria provided, single submitter. Criteria: GeneDx Variant Classification (06012015). Collection method: clinical testing. Allele origin: germline. Affected: yes.
Comment: This variant is considered likely benign or benign based on one or more of the following criteria: it is a conservative change, it occurs at a poorly conserved position in the protein, it is predicted to be benign by multiple in silico algorithms, and/or has population frequency not consistent with disease.

Laboratory for Molecular Medicine, Mass General Brigham Personalized Medicine
Classification: Benign. Last evaluated: 2012-03-19. Review status: criteria provided, single submitter. Criteria: LMM Criteria. Collection method: clinical testing. Allele origin: germline. Observed: 2 variant alleles.
Comment: p.Asn17377Asn in Exon 251 of TTN: This variant is not expected to have clinical significance because it does not alter an amino acid residue, is not located wit hin the splice consensus sequence and has been identified in 0.3% (10/3168) of A frican American chromosomes from a broad population by the NHLBI Exome Sequencin g Project (dbSNP rs72646842).

PreventionGenetics, part of Exact Sciences
Classification: Likely benign for TTN-related condition. Last evaluated: 2024-01-04. Review status: no assertion criteria provided. Collection method: clinical testing. Allele origin: germline. Not counted in ClinVar's aggregate classification.
Comment: This variant is classified as likely benign based on ACMG/AMP sequence variant interpretation guidelines (Richards et al. 2015 PMID: 25741868, with internal and published modifications).

Clinical Genetics, Academic Medical Center
Classification: Benign. Review status: no assertion criteria provided. Collection method: clinical testing. Allele origin: germline. Affected: yes. Study: VKGL Data-share Consensus. Not counted in ClinVar's aggregate classification.

Diagnostic Laboratory, Department of Genetics, University Medical Center Groningen
Classification: Likely benign. Review status: no assertion criteria provided. Collection method: clinical testing. Allele origin: germline. Affected: yes. Study: VKGL Data-share Consensus. Not counted in ClinVar's aggregate classification.

NM_001267550.2(TTN):c.59835C>T (p.Asn19945=)

Genes: TTN (titin; minus strand), TTN-AS1 (TTN antisense RNA 1; plus strand), LOC126806424 (CDK7 strongly-dependent group 2 enhancer GRCh37_chr2:179456337-179457536; plus strand). Cytogenetic location: 2q31.2.
Variant type: single nucleotide variant.
Coding change: c.59835C>T on transcript NM_001267550.2 (MANE Select); coding-DNA position 59835, C replaced by T.
Protein change: p.Asn19945=; no amino-acid change (asparagine 19945 retained).
Molecular consequence: synonymous variant.
Genome position (GRCh38, 1-based): chr2:178,592,069, G>A on the plus strand (C>T on the coding strand, the complement: TTN is on the minus strand). VCF-style: chr2-178592069-G-A. GRCh37 (hg19) VCF-style: chr2-179456796-G-A.
Other names: c.54912C>T, p.Asn18304= (NM_001256850.1); c.52131C>T, p.Asn17377= (NM_133378.4); c.32640C>T, p.Asn10880= (NM_003319.4); c.33015C>T, p.Asn11005= (NM_133432.3); c.33216C>T, p.Asn11072= (NM_133437.4).
Identifiers: ClinVar variation 47155 (VCV000047155.34), dbSNP rs72646842, ClinGen allele CA140157.
Genomic context (GRCh38, chr2:178,592,069, plus strand): 5'-TGTTTCAACAAAAGGACCACGTCCATACTGGTTCTCCGCAGCTACTCGGAAGAGGTACTG[G>A]TTGCCTTCATTCAGATGCTTAGCGAAGTGACTCTTTTTCTTTGATGTAGCTGAGAGAGGT-3'
Protein context (NP_001254479.2, residues 19935-19955): SHFAKHLNEG[Asn19945=]QYLFRVAAEN